The following is an entry in ClinVar:

NM_016122.3(CEP83):c.173+3A>G

Gene: CEP83 (centrosomal protein 83; minus strand). Cytogenetic location: 12q22.
Variant type: single nucleotide variant.
Coding change: c.173+3A>G on transcript NM_016122.3 (MANE Select); 3 bases into the intron after coding-DNA position 173, A replaced by G.
Molecular consequence: intron variant.
Genome position (GRCh38, 1-based): chr12:94,412,315, T>C on the plus strand (A>G on the coding strand, the complement: CEP83 is on the minus strand). VCF-style: chr12-94412315-T-C. GRCh37 (hg19) VCF-style: chr12-94806091-T-C.
Other names: c.173+3A>G (NM_001346457.2, NM_001042399.2, NM_001368038.1 and 4 more transcripts); c.-140+202A>G (NM_001346459.2, NM_001346458.2, NM_001368040.1 and 3 more transcripts).
Identifiers: ClinVar variation 834518 (VCV000834518.7), dbSNP rs1008800566, ClinGen allele CA242066992.

ClinVar aggregate classification (germline): Uncertain significance (1 of 4 stars; one submission).

Conditions:
Nephronophthisis 18 (NPHP18). Identifiers: Orphanet 655, MedGen C3890591, MONDO:0014374, OMIM 615862.

Allele frequency attached by ClinVar (database versions not stated): gnomAD exomes below 0.00001; gnomAD 0.00001; TOPMed 0.00001.
gnomAD v4.1: 3 of 1,588,220 alleles (0.00019%); highest among the groups gnomAD compares: Non-Finnish European, 0.00026%; no homozygotes.

Submission:

Labcorp Genetics (formerly Invitae), Labcorp
Classification: Uncertain significance for Nephronophthisis 18. Last evaluated: 2022-06-13. Review status: criteria provided, single submitter. Criteria: Invitae Variant Classification Sherloc (09022015). Collection method: clinical testing. Allele origin: germline.
Comment: This variant is not present in population databases (gnomAD no frequency). This sequence change falls in intron 3 of the CEP83 gene. It does not directly change the encoded amino acid sequence of the CEP83 protein. It affects a nucleotide within the consensus splice site. This variant has not been reported in the literature in individuals affected with CEP83-related conditions. In summary, the available evidence is currently insufficient to determine the role of this variant in disease. Therefore, it has been classified as a Variant of Uncertain Significance. Variants that disrupt the consensus splice site are a relatively common cause of aberrant splicing (PMID: 17576681, 9536098). Algorithms developed to predict the effect of sequence changes on RNA splicing suggest that this variant is not likely to affect RNA splicing. ClinVar contains an entry for this variant (Variation ID: 834518).

Literature cited by the submitters: PubMed 17576681; PubMed 9536098.